The following is an entry in ClinVar:

NM_000166.6(GJB1):c.191G>A (p.Cys64Tyr)

Gene: GJB1 (gap junction protein beta 1; plus strand). Cytogenetic location: Xq13.1.
Variant type: single nucleotide variant.
Coding change: c.191G>A on transcript NM_000166.6 (MANE Select); coding-DNA position 191, G replaced by A.
Protein change: p.Cys64Tyr; replaces cysteine 64 with tyrosine.
Molecular consequence: missense variant.
Genome position (GRCh38, 1-based): chrX:71,223,898, G>A. VCF-style: chrX-71223898-G-A. GRCh37 (hg19) VCF-style: chrX-70443748-G-A.
Other names: c.191G>A, p.Cys64Tyr (NM_001097642.3); short protein forms C64Y.
Identifiers: ClinVar variation 637608 (VCV000637608.10), dbSNP rs1602348897, ClinGen allele CA413501358.
Genomic context (GRCh38, chrX:71,223,898, plus strand): 5'-GGGGTGATGAGAAATCTTCCTTCATCTGCAACACACTCCAGCCTGGCTGCAACAGCGTTT[G>A]CTATGACCAATTCTTCCCCATCTCCCATGTGCGGCTGTGGTCCCTGCAGCTCATCCTAGT-3'
Protein context (NP_000157.1, residues 54-74): NTLQPGCNSV[Cys64Tyr]YDQFFPISHV

ClinVar aggregate classification (germline): Pathogenic. Review status: criteria provided, single submitter (1 of 4 stars). 2 submissions from 2 submitters: Pathogenic (1). 1 of the submissions does not count toward it. Last evaluated 2022-08-21.

Conditions:
Charcot-Marie-Tooth Neuropathy X. Identifiers: MedGen CN118851.
Charcot-Marie-Tooth disease. Also called: Charcot-Marie-Tooth Hereditary Neuropathy; Charcot-Marie-Tooth Neuropathy. Identifiers: Orphanet 166, MedGen C0007959, MONDO:0015626.

Submissions (2):

Labcorp Genetics (formerly Invitae), Labcorp
Classification: Pathogenic for Charcot-Marie-Tooth Neuropathy X. Last evaluated: 2022-08-21. Review status: criteria provided, single submitter. Criteria: Invitae Variant Classification Sherloc (09022015). Collection method: clinical testing. Allele origin: germline.
Comment: ClinVar contains an entry for this variant (Variation ID: 637608). For these reasons, this variant has been classified as Pathogenic. This variant disrupts the p.Cys64 amino acid residue in GJB1. Other variant(s) that disrupt this residue have been observed in individuals with GJB1-related conditions (PMID: 9187667, 11437164), which suggests that this may be a clinically significant amino acid residue. Algorithms developed to predict the effect of missense changes on protein structure and function are either unavailable or do not agree on the potential impact of this missense change (SIFT: "Deleterious"; PolyPhen-2: "Probably Damaging"; Align-GVGD: "Class C0"). This missense change has been observed in individuals with Charcot-Marie-Tooth disease (PMID: 24768312, 25883816, 27098783, 27862672). It has also been observed to segregate with disease in related individuals. This variant is not present in population databases (gnomAD no frequency). This sequence change replaces cysteine, which is neutral and slightly polar, with tyrosine, which is neutral and polar, at codon 64 of the GJB1 protein (p.Cys64Tyr).

Inherited Neuropathy Consortium
Classification: Uncertain significance for Charcot-Marie-Tooth disease. Review status: no assertion criteria provided. Collection method: literature only. Allele origin: germline. Affected: yes. Not counted in ClinVar's aggregate classification.

Literature cited by the submitters: PubMed 9187667 (cited by Labcorp Genetics (formerly Invitae), Labcorp); PubMed 11437164 (cited by Labcorp Genetics (formerly Invitae), Labcorp); PubMed 24768312 (cited by Labcorp Genetics (formerly Invitae), Labcorp and Inherited Neuropathy Consortium); PubMed 25883816 (cited by Labcorp Genetics (formerly Invitae), Labcorp); PubMed 27098783 (cited by Labcorp Genetics (formerly Invitae), Labcorp); PubMed 27862672 (cited by Labcorp Genetics (formerly Invitae), Labcorp).